The following is an entry in ClinVar:

ClinVar aggregate classification (germline): Uncertain significance (1 of 4 stars; one submission).

Allele frequency attached by ClinVar (database versions not stated): gnomAD exomes below 0.00001.
gnomAD v4.1: 5 of 1,601,854 alleles (0.00031%); highest among the groups gnomAD compares: Non-Finnish European, 0.00034%; no homozygotes.

Submission:

Labcorp Genetics (formerly Invitae), Labcorp
Classification: Uncertain significance. Last evaluated: 2022-05-22. Review status: criteria provided, single submitter. Criteria: Invitae Variant Classification Sherloc (09022015). Collection method: clinical testing. Allele origin: germline.
Comment: This sequence change falls in intron 6 of the MAP3K20 gene. It does not directly change the encoded amino acid sequence of the MAP3K20 protein. It affects a nucleotide within the consensus splice site. In summary, the available evidence is currently insufficient to determine the role of this variant in disease. Therefore, it has been classified as a Variant of Uncertain Significance. Variants that disrupt the consensus splice site are a relatively common cause of aberrant splicing (PMID: 17576681, 9536098). This variant has not been reported in the literature in individuals affected with MAP3K20-related conditions. The frequency data for this variant in the population databases is considered unreliable, as metrics indicate poor data quality at this position in the gnomAD database.

Literature cited by the submitters: PubMed 17576681; PubMed 9536098.

NM_016653.3(MAP3K20):c.444+4G>T

Gene: MAP3K20 (mitogen-activated protein kinase kinase kinase 20; plus strand). Cytogenetic location: 2q31.1.
Variant type: single nucleotide variant.
Coding change: c.444+4G>T on transcript NM_016653.3 (MANE Select); 4 bases into the intron after coding-DNA position 444, G replaced by T.
Molecular consequence: intron variant.
Genome position (GRCh38, 1-based): chr2:173,190,927, G>T. VCF-style: chr2-173190927-G-T. GRCh37 (hg19) VCF-style: chr2-174055655-G-T.
Other names: c.444+4G>T (NM_133646.3).
Identifiers: ClinVar variation 1979108 (VCV001979108.4), dbSNP rs1167800317, ClinGen allele CA537735045.
Genomic context (GRCh38, chr2:173,190,927, plus strand): 5'-CATAATTTATCCTTTTTTCTTTTTTTAGTTGTTATAGCTGCTGATGGAGTATTGAAGGTA[G>T]GACTATTTCTTTTACTTAAAAAAATTGTTAATTTCAGATGTAGATTTTTGTAACTGATAA-3'